The following is an entry in ClinVar:

NM_000352.6(ABCC8):c.-19A>G

Gene: ABCC8 (ATP binding cassette subfamily C member 8; minus strand). Cytogenetic location: 11p15.1.
Variant type: single nucleotide variant.
Coding change: c.-19A>G on transcript NM_000352.6 (MANE Select); 19 bases upstream of the start codon, A replaced by G.
Molecular consequence: 5 prime UTR variant. On other transcripts: non-coding transcript variant (1).
Genome position (GRCh38, 1-based): chr11:17,476,795, T>C on the plus strand (A>G on the coding strand, the complement: ABCC8 is on the minus strand). VCF-style: chr11-17476795-T-C. GRCh37 (hg19) VCF-style: chr11-17498342-T-C.
Other names: c.-19A>G (NM_001287174.3, NM_001351295.2, NM_001351296.2 and 2 more transcripts).
Identifiers: ClinVar variation 35602 (VCV000035602.12), dbSNP rs193922394, ClinGen allele CA213433.

ClinVar aggregate classification (germline): Conflicting classifications of pathogenicity. Review status: criteria provided, conflicting classifications (1 of 4 stars). 9 submissions from 6 submitters: Uncertain significance (2); Benign (6); Likely benign (1). Last evaluated 2025-04-13.

Conditions:
Diabetes mellitus, transient neonatal, 2 (TNDM2). Identifiers: Orphanet 99886, MedGen C1835887, MONDO:0012480, OMIM 610374. Disease mechanism: loss of function.
Hyperinsulinemic hypoglycemia, familial, 1 (HHF1). Also called: Persistent hyperinsulinemic hypoglycemia of infancy; Persistent Hyperinsulinemia Hypoglycemia of Infancy; HYPOGLYCEMIA, HYPERINSULINEMIC, OF INFANCY; NESIDIOBLASTOSIS OF PANCREAS; HYPERINSULINISM, FAMILIAL, WITH PANCREATIC NESIDIOBLASTOSIS. Identifiers: Orphanet 276575, Orphanet 276598, MedGen C2931832, MONDO:0009734, OMIM 256450.
Transitory neonatal diabetes mellitus. Also called: Transient neonatal diabetes mellitus. Identifiers: MedGen C0342273, MONDO:0020525, HP:0008255.
Maturity-onset diabetes of the young (MODY). Also called: Maturity onset diabetes mellitus in young. Identifiers: Orphanet 552, MedGen C0342276, MONDO:0018911, HP:0004904.
Permanent neonatal diabetes mellitus (PNDM). Identifiers: Orphanet 99885, MedGen C1833104, MONDO:0100164, MONDO:0011643. Disease mechanism: gain of function.

Allele frequency attached by ClinVar (database versions not stated): gnomAD exomes 0.00200 and 0.00131; ExAC 0.00746; ESP Exome Variant Server 0.01345; gnomAD 0.01528 and 0.01648; 1000 Genomes Project 0.01657; TOPMed 0.01690; 1000 Genomes Project 30x 0.01765.
gnomAD v4.1: 4,243 of 1,535,602 alleles (0.28%); highest among the groups gnomAD compares: African/African-American, 5.4%; 108 homozygotes.

Submissions (9):

Mayo Clinic Laboratories, Mayo Clinic
Classification: Benign. Last evaluated: 2025-04-13. Review status: criteria provided, single submitter. Criteria: ACMG Guidelines, 2015. Collection method: clinical testing. Allele origin: germline. Observed: 1 variant allele.

Women's Health and Genetics/Laboratory Corporation of America, LabCorp
Classification: Benign. Last evaluated: 2023-08-10. Review status: criteria provided, single submitter. Criteria: LabCorp Variant Classification Summary - May 2015. Collection method: clinical testing. Allele origin: germline.
Comment: Variant summary: ABCC8 c.-19A>G is located in the untranslated mRNA region upstream of the initiation codon. The variant allele was found at a frequency of 0.002 in 134754 control chromosomes, predominantly at a frequency of 0.044 within the African or African-American subpopulation in the gnomAD database, including 4 homozygotes. The observed variant frequency within African or African-American control individuals in the gnomAD database is approximately 2112000 fold of the estimated maximal expected allele frequency for a pathogenic variant in ABCC8 causing Neonatal Diabetes Mellitus phenotype (2.1e-08), strongly suggesting that the variant is a benign polymorphism found primarily in populations of African or African-American origin. To our knowledge, no occurrence of c.-19A>G in individuals affected with Neonatal Diabetes Mellitus and no experimental evidence demonstrating its impact on protein function have been reported. Two submitters have cited clinical-significance assessments for this variant to ClinVar after 2014. All submitters classified the variant as benign/likely benign. Based on the evidence outlined above, the variant was classified as benign.

GeneDx
Classification: Benign. Last evaluated: 2018-11-10. Review status: criteria provided, single submitter. Criteria: GeneDx Variant Classification Process June 2021. Collection method: clinical testing. Allele origin: germline. Affected: yes.

Illumina Laboratory Services, Illumina
Classification: Benign for Permanent neonatal diabetes mellitus 1. Last evaluated: 2018-01-13. Review status: criteria provided, single submitter. Criteria: ICSL Variant Classification Criteria 13 December 2019. Collection method: clinical testing. Allele origin: germline.
Comment: This variant was observed in the ICSL laboratory as part of a predisposition screen in an ostensibly healthy population. It had not been previously curated by ICSL or reported in the Human Gene Mutation Database (HGMD: prior to June 1st, 2018), and was therefore a candidate for classification through an automated scoring system. Utilizing variant allele frequency, disease prevalence and penetrance estimates, and inheritance mode, an automated score was calculated to assess if this variant is too frequent to cause the disease. Based on the score and internal cut-off values, a variant classified as benign is not then subjected to further curation. The score for this variant resulted in a classification of benign for this disease.

Illumina Laboratory Services, Illumina
Classification: Benign for Diabetes mellitus, transient neonatal, 2. Last evaluated: 2018-01-13. Review status: criteria provided, single submitter. Criteria: ICSL Variant Classification Criteria 13 December 2019. Collection method: clinical testing. Allele origin: germline.
Comment: the same text as in the submission from Illumina Laboratory Services, Illumina above.

Illumina Laboratory Services, Illumina
Classification: Likely benign for Hyperinsulinemic hypoglycemia, familial, 1. Last evaluated: 2018-01-13. Review status: criteria provided, single submitter. Criteria: ICSL Variant Classification Criteria 13 December 2019. Collection method: clinical testing. Allele origin: germline.
Comment: This variant was observed in the ICSL laboratory as part of a predisposition screen in an ostensibly healthy population. It had not been previously curated by ICSL or reported in the Human Gene Mutation Database (HGMD: prior to June 1st, 2018), and was therefore a candidate for classification through an automated scoring system. Utilizing variant allele frequency, disease prevalence and penetrance estimates, and inheritance mode, an automated score was calculated to assess if this variant is too frequent to cause the disease. Based on the score and internal cut-off values, a variant classified as likely benign is not then subjected to further curation. The score for this variant resulted in a classification of likely benign for this disease.

Clinical Genomics, Uppaluri K&H Personalized Medicine Clinic
Classification: Uncertain significance for Maturity-onset diabetes of the young. Review status: criteria provided, single submitter. Criteria: K & H Uppaluri Personalized Medicine Clinic Variant Classification & Assertion Criteria_Updated V.1. Collection method: research. Allele origin: unknown. Inheritance: Somatic mutation.
Comment: Mutations in ABCC8 gene are associated with both neonatal diabetes mellitus as well as MODY. Patients with this mutation may have a better response to sulfonylureas. However, no sufficient evidence is found to ascertain the role of this particular variant ( rs193922394) in MODY yet.

Clinical Genomics, Uppaluri K&H Personalized Medicine Clinic
Classification: Uncertain significance for Transitory neonatal diabetes mellitus. Review status: criteria provided, single submitter. Criteria: K & H Uppaluri Personalized Medicine Clinic Variant Classification & Assertion Criteria_Updated V.1. Collection method: research. Allele origin: unknown. Inheritance: Somatic mutation.
Comment: Mutations in ABCC8 gene are associated with both neonatal diabetes mellitus as well as MODY. Patients with this mutation may have a better response to sulfonylureas. However, no sufficient evidence is found to ascertain the role of this particular variant ( rs193922394) in neonatal diabetes yet.

PreventionGenetics, part of Exact Sciences
Classification: Benign. Review status: criteria provided, single submitter. Criteria: ACMG Guidelines, 2015. Collection method: clinical testing. Allele origin: germline.

Literature cited by the submitters: PubMed 16885549 (cited by Clinical Genomics, Uppaluri K&H Personalized Medicine Clinic); PubMed 21989597 (cited by Clinical Genomics, Uppaluri K&H Personalized Medicine Clinic); PubMed 27538677 (cited by Clinical Genomics, Uppaluri K&H Personalized Medicine Clinic); PubMed 18981553 (cited by Clinical Genomics, Uppaluri K&H Personalized Medicine Clinic); PubMed 32027066 (cited by Clinical Genomics, Uppaluri K&H Personalized Medicine Clinic); PubMed 16613899 (cited by Clinical Genomics, Uppaluri K&H Personalized Medicine Clinic); PubMed 18025408 (cited by Clinical Genomics, Uppaluri K&H Personalized Medicine Clinic); PubMed 32792356 (cited by Clinical Genomics, Uppaluri K&H Personalized Medicine Clinic).